The following is an entry in ClinVar:

NM_152383.5(DIS3L2):c.319A>C (p.Asn107His)

Gene: DIS3L2 (DIS3 like 3'-5' exoribonuclease 2; plus strand). Cytogenetic location: 2q37.1.
Variant type: single nucleotide variant.
Coding change: c.319A>C on transcript NM_152383.5 (MANE Select); coding-DNA position 319, A replaced by C.
Protein change: p.Asn107His; replaces asparagine 107 with histidine.
Molecular consequence: missense variant. On other transcripts: non-coding transcript variant (2).
Genome position (GRCh38, 1-based): chr2:232,030,033, A>C. VCF-style: chr2-232030033-A-C. GRCh37 (hg19) VCF-style: chr2-232894743-A-C.
Other names: c.319A>C, p.Asn107His (NM_001257281.2, NM_001257282.2); short protein forms N107H.
Identifiers: ClinVar variation 1366479 (VCV001366479.8), dbSNP rs2106239771, ClinGen allele CA351152954.
Genomic context (GRCh38, chr2:232,030,033, plus strand): 5'-ACCTAGGATGGTGATCGAGACATTTTTATTGATGGGGTTGTTGCTCGTAATAGAGCCTTA[A>C]ATGGGGATCTGGTGGTCGTGAAACTGCTTCCCGAGGAGCATTGGAAGGTGAGTTAAGTTT-3'
Protein context (NP_689596.4, residues 97-117): DGVVARNRAL[Asn107His]GDLVVVKLLP

ClinVar aggregate classification (germline): Uncertain significance (1 of 4 stars; one submission).

Conditions:
Perlman syndrome (PRLMNS). Identifiers: Orphanet 2849, MedGen C0796113, MONDO:0009965, OMIM 267000.

Submission:

Labcorp Genetics (formerly Invitae), Labcorp
Classification: Uncertain significance for Perlman syndrome. Last evaluated: 2022-07-30. Review status: criteria provided, single submitter. Criteria: Invitae Variant Classification Sherloc (09022015). Collection method: clinical testing. Allele origin: germline.
Comment: This variant is not present in population databases (gnomAD no frequency). This sequence change replaces asparagine, which is neutral and polar, with histidine, which is basic and polar, at codon 107 of the DIS3L2 protein (p.Asn107His). This variant has not been reported in the literature in individuals affected with DIS3L2-related conditions. In summary, the available evidence is currently insufficient to determine the role of this variant in disease. Therefore, it has been classified as a Variant of Uncertain Significance. Algorithms developed to predict the effect of missense changes on protein structure and function are either unavailable or do not agree on the potential impact of this missense change (SIFT: "Deleterious"; PolyPhen-2: "Benign"; Align-GVGD: "Class C0"). ClinVar contains an entry for this variant (Variation ID: 1366479).